The following is an entry in ClinVar:

ClinVar aggregate classification (germline): Uncertain significance. Review status: criteria provided, multiple submitters, no conflicts (2 of 4 stars). 13 submissions from 13 submitters: Uncertain significance (11). 2 of the submissions do not count toward it. Last evaluated 2025-12-08.

Conditions:
Ataxia-telangiectasia-like disorder (ATLD). Identifiers: MedGen C1858391, MONDO:0011457.
Hereditary cancer-predisposing syndrome. Also called: Hereditary neoplastic syndrome; Tumor predisposition; Neoplastic Syndromes, Hereditary; Hereditary Cancer Syndrome. Identifiers: Orphanet 140162, MedGen C0027672, MeSH D009386, MONDO:0015356.
Ovarian neoplasm. Also called: Neoplasm of ovary; Ovarian tumor; Ovarian Neoplasms. Identifiers: MedGen C0919267, MeSH D010051, MONDO:0021068, HP:0100615.
Ataxia-telangiectasia-like disorder 1 (ATLD1). Identifiers: Orphanet 251347, MedGen C4012790, MONDO:0024557, OMIM 604391.

Allele frequency attached by ClinVar (database versions not stated): gnomAD 0.00008 and 0.00009; TOPMed 0.00008; ESP Exome Variant Server 0.00038.
gnomAD v4.1: 186 of 1,612,526 alleles (0.012%); highest among the groups gnomAD compares: Middle Eastern, 0.017%; no homozygotes.

Submissions (13):

Labcorp Genetics (formerly Invitae), Labcorp
Classification: Uncertain significance for Ataxia-telangiectasia-like disorder. Last evaluated: 2025-12-08. Review status: criteria provided, single submitter. Criteria: Invitae Variant Classification Sherloc (09022015). Collection method: clinical testing. Allele origin: germline.
Comment: This sequence change replaces serine, which is neutral and polar, with cysteine, which is neutral and slightly polar, at codon 273 of the MRE11 protein (p.Ser273Cys). This variant is present in population databases (rs143400546, gnomAD 0.01%). This variant has not been reported in the literature in individuals affected with MRE11-related conditions. ClinVar contains an entry for this variant (Variation ID: 127987). An algorithm developed to predict the effect of missense changes on protein structure and function (PolyPhen-2) suggests that this variant is likely to be disruptive. In summary, the available evidence is currently insufficient to determine the role of this variant in disease. Therefore, it has been classified as a Variant of Uncertain Significance.

GeneDx
Classification: Uncertain significance. Last evaluated: 2025-10-14. Review status: criteria provided, single submitter. Criteria: GeneDx Variant Classification Process June 2021. Collection method: clinical testing. Allele origin: germline. Affected: yes.
Comment: In silico analysis supports that this missense variant has a deleterious effect on protein structure/function; Has not been previously published as pathogenic or benign to our knowledge

Quest Diagnostics Nichols Institute San Juan Capistrano
Classification: Uncertain significance. Last evaluated: 2024-11-17. Review status: criteria provided, single submitter. Criteria: Quest Diagnostics criteria. Collection method: clinical testing. Allele origin: unknown.
Comment: The MRE11 c.818C>G (p.Ser273Cys) variant has been reported in the published literature in breast cancer cases as well as in reportedly healthy individuals (see LOVD and PMID: 33471991 (2021)). The frequency of this variant in the general population, 0.00017 (6/35362 chromosomes (Genome Aggregation Database)), is uninformative in the assessment of its pathogenicity. Analysis of this variant using bioinformatics tools for the prediction of the effect of amino acid changes on protein structure and function yielded predictions that this variant is damaging. Based on the available information, we are unable to determine the clinical significance of this variant.

Women's Health and Genetics/Laboratory Corporation of America, LabCorp
Classification: Uncertain significance. Last evaluated: 2024-10-14. Review status: criteria provided, single submitter. Criteria: LabCorp Variant Classification Summary - May 2015. Collection method: clinical testing. Allele origin: germline.
Comment: Variant summary: MRE11A c.818C>G (p.Ser273Cys) results in a non-conservative amino acid change located in the DNA double-strand break repair protein Mre11, N-terminal metallophosphatase domain (IPR041796) of the encoded protein sequence. Five of five in-silico tools predict a damaging effect of the variant on protein function. The variant was absent in 282264 control chromosomes. The available data on variant occurrences in the general population are insufficient to allow any conclusion about variant significance. c.818C>G has been reported in the literature in individuals affected with breast cancer or colorectal cancer without evidence for causality (e.g. VanMarcke_2020, Erdem_2020). These reports do not provide unequivocal conclusions about association of the variant with Ataxia Telangiectasia-Like Disorder. To our knowledge, no experimental evidence demonstrating an impact on protein function has been reported. The following publications have been ascertained in the context of this evaluation (PMID: 32283892, 32295625).ClinVar contains an entry for this variant (Variation ID: 127987). Based on the evidence outlined above, the variant was classified as uncertain significance.

Blueprint Genetics
Classification: Uncertain significance. Last evaluated: 2024-09-24. Review status: criteria provided, single submitter. Criteria: ACMG Guidelines, 2015. Collection method: clinical testing. Allele origin: germline.

Ambry Genetics
Classification: Uncertain significance for Hereditary cancer-predisposing syndrome. Last evaluated: 2024-05-20. Review status: criteria provided, single submitter. Criteria: Ambry Variant Classification Scheme 2023. Collection method: clinical testing. Allele origin: germline.
Comment: The p.S273C variant (also known as c.818C>G), located in coding exon 7 of the MRE11A gene, results from a C to G substitution at nucleotide position 818. The serine at codon 273 is replaced by cysteine, an amino acid with dissimilar properties. This amino acid position is well conserved in available vertebrate species. In addition, this alteration is predicted to be deleterious by in silico analysis. Since supporting evidence is limited at this time, the clinical significance of this alteration remains unclear.

Baylor Genetics
Classification: Uncertain significance for Ataxia-telangiectasia-like disorder 1. Last evaluated: 2023-08-13. Review status: criteria provided, single submitter. Criteria: ACMG Guidelines, 2015. Collection method: clinical testing. Allele origin: unknown.

Athena Diagnostics
Classification: Uncertain significance. Last evaluated: 2021-12-15. Review status: criteria provided, single submitter. Criteria: Athena Diagnostics Criteria. Collection method: clinical testing. Allele origin: unknown.

Fulgent Genetics
Classification: Uncertain significance for Ataxia-telangiectasia-like disorder 1. Last evaluated: 2018-10-31. Review status: criteria provided, single submitter. Criteria: ACMG Guidelines, 2015. Collection method: clinical testing. Allele origin: unknown.

Illumina Laboratory Services, Illumina
Classification: Uncertain significance for Ataxia-telangiectasia-like disorder 1. Last evaluated: 2017-04-27. Review status: criteria provided, single submitter. Criteria: ICSL Variant Classification Criteria 13 December 2019. Collection method: clinical testing. Allele origin: germline.

Centre for Mendelian Genomics, University Medical Centre Ljubljana
Classification: Uncertain significance for Ovarian neoplasm. Last evaluated: 2014-12-22. Review status: criteria provided, single submitter. Criteria: ACMG Guidelines, 2015. Collection method: clinical testing. Allele origin: unknown. Affected: yes.

Clinical Genetics DNA and cytogenetics Diagnostics Lab, Erasmus MC, Erasmus Medical Center
Classification: Uncertain significance. Review status: no assertion criteria provided. Collection method: clinical testing. Allele origin: germline. Affected: yes. Study: VKGL Data-share Consensus. Not counted in ClinVar's aggregate classification.

Laboratory of Diagnostic Genome Analysis, Leiden University Medical Center (LUMC)
Classification: Uncertain significance. Review status: no assertion criteria provided. Collection method: clinical testing. Allele origin: germline. Affected: yes. Study: VKGL Data-share Consensus. Not counted in ClinVar's aggregate classification.

Literature cited by the submitters: PubMed 33471991 (cited by Quest Diagnostics Nichols Institute San Juan Capistrano and Athena Diagnostics); PubMed 32283892 (cited by Women's Health and Genetics/Laboratory Corporation of America, LabCorp); PubMed 32295625 (cited by Women's Health and Genetics/Laboratory Corporation of America, LabCorp).

NM_005591.4(MRE11):c.818C>G (p.Ser273Cys)

Gene: MRE11 (MRE11 double strand break repair nuclease; minus strand). Cytogenetic location: 11q21.
Variant type: single nucleotide variant.
Coding change: c.818C>G on transcript NM_005591.4 (MANE Select); coding-DNA position 818, C replaced by G.
Protein change: p.Ser273Cys; replaces serine 273 with cysteine.
Molecular consequence: missense variant.
Genome position (GRCh38, 1-based): chr11:94,471,601, G>C on the plus strand (C>G on the coding strand, the complement: MRE11 is on the minus strand). VCF-style: chr11-94471601-G-C. GRCh37 (hg19) VCF-style: chr11-94204767-G-C.
Other names: p.S273C:TCT>TGT; c.818C>G, p.Ser273Cys (NM_001330347.2, NM_005590.4); short protein forms S273C.
Identifiers: ClinVar variation 127987 (VCV000127987.32), dbSNP rs143400546, ClinGen allele CA331849.